The following is an entry in ClinVar:

ClinVar aggregate classification (germline): Likely pathogenic. Review status: criteria provided, multiple submitters, no conflicts (2 of 4 stars). 7 submissions from 7 submitters: Likely pathogenic (6). 1 of the submissions does not count toward it. Last evaluated 2026-01-28.

Conditions:
ALG12-related disorder. Also called: ALG12-related condition.
ALG12-congenital disorder of glycosylation (CDG1G). Also called: ALG12-CDG; CDG Ig; Congenital disorder of glycosylation, type Ig. Identifiers: Orphanet 79324, MedGen C2931001, MONDO:0011783, OMIM 607143.

Allele frequency attached by ClinVar (database versions not stated): ExAC 0.00001; gnomAD 0.00001; TOPMed 0.00002.
gnomAD v4.1: 22 of 1,614,022 alleles (0.0014%); highest among the groups gnomAD compares: Non-Finnish European, 0.0018%; no homozygotes.

Submissions (7):

Dasa
Classification: Likely pathogenic. Last evaluated: 2026-01-28. Review status: criteria provided, single submitter. Criteria: DASA Assertion Criteria. Collection method: clinical testing. Allele origin: germline.
Comment: NM_024105.4(ALG12):c.301G>A (p.Gly101Arg) is a missense variant that results in the substitution of glycine with arginine. This variant has been recurrently observed in individuals with ALG12-related disorders (PMID: 17506107; PMID: 21029365). Also, this variant is rare in population databases. Computational evidence supports a deleterious effect. Based on the currently available evidence, this variant is classified as likely pathogenic.

Labcorp Genetics (formerly Invitae), Labcorp
Classification: Likely pathogenic for ALG12-congenital disorder of glycosylation. Last evaluated: 2025-09-02. Review status: criteria provided, single submitter. Criteria: Invitae Variant Classification Sherloc (09022015). Collection method: clinical testing. Allele origin: germline.
Comment: This sequence change replaces glycine, which is neutral and non-polar, with arginine, which is basic and polar, at codon 101 of the ALG12 protein (p.Gly101Arg). This variant is present in population databases (rs121907933, gnomAD 0.002%). This missense change has been observed in individual(s) with congenital disorder of glycosylation type 1G (PMID: 17506107). It has also been observed to segregate with disease in related individuals. ClinVar contains an entry for this variant (Variation ID: 3436). Invitae Evidence Modeling of protein sequence and biophysical properties (such as structural, functional, and spatial information, amino acid conservation, physicochemical variation, residue mobility, and thermodynamic stability) indicates that this missense variant is expected to disrupt ALG12 protein function with a positive predictive value of 80%. In summary, the currently available evidence indicates that the variant is pathogenic, but additional data are needed to prove that conclusively. Therefore, this variant has been classified as Likely Pathogenic.

Women's Health and Genetics/Laboratory Corporation of America, LabCorp
Classification: Likely pathogenic for ALG12-congenital disorder of glycosylation. Last evaluated: 2024-09-18. Review status: criteria provided, single submitter. Criteria: LabCorp Variant Classification Summary - May 2015. Collection method: clinical testing. Allele origin: germline.
Comment: Variant summary: ALG12 c.301G>A (p.Gly101Arg) results in a non-conservative amino acid change in the encoded protein sequence. Four of five in-silico tools predict a damaging effect of the variant on protein function. The variant allele was found at a frequency of 8e-06 in 251386 control chromosomes. c.301G>A has been reported in the literature in homozygous and compound heterozygous individuals affected with ALG12-Congenital Disorder Of Glycosylation (e.g. Kranz_2007, Lecca_2011). These data indicate that the variant is likely to be associated with disease. To our knowledge, no experimental evidence demonstrating an impact on protein function has been reported. The following publications have been ascertained in the context of this evaluation (PMID: 17506107, 21029365). ClinVar contains an entry for this variant (Variation ID: 3436). Based on the evidence outlined above, the variant was classified as likely pathogenic.

PreventionGenetics, part of Exact Sciences
Classification: Likely pathogenic for ALG12-related condition. Last evaluated: 2022-10-24. Review status: criteria provided, single submitter. Criteria: ACMG Guidelines, 2015. Collection method: clinical testing. Allele origin: germline.
Comment: The ALG12 c.301G>A variant is predicted to result in the amino acid substitution p.Gly101Arg. This variant was reported in the compound heterozygous state in individuals with congenital disorder of glycosylation 1g (Kranz et al. 2007. PubMed ID: 17506107; Kane et al. 2016. PubMed ID: 26805780). This variant is reported in 0.0018% of alleles in individuals of European (Non-Finnish) descent in gnomAD. This variant is interpreted as likely pathogenic.

GeneDx
Classification: Likely pathogenic. Last evaluated: 2019-11-09. Review status: criteria provided, single submitter. Criteria: GeneDx Variant Classification Process June 2021. Collection method: clinical testing. Allele origin: germline. Affected: yes.
Comment: Not observed at a significant frequency in large population cohorts (Lek et al., 2016); In silico analysis, which includes protein predictors and evolutionary conservation, supports a deleterious effect; This variant is associated with the following publications: (PMID: 31481313, 20638314, 21029365, 26805780, 17506107)

Blueprint Genetics
Classification: Likely pathogenic for ALG12-related disorders. Last evaluated: 2019-02-05. Review status: criteria provided, single submitter. Criteria: ACMG Guidelines, 2015. Collection method: clinical testing. Allele origin: germline. Affected: yes. Observed: 1 variant allele.

OMIM
Classification: Pathogenic for CONGENITAL DISORDER OF GLYCOSYLATION, TYPE Ig. Last evaluated: 2007-06-15. Review status: no assertion criteria provided. Collection method: literature only. Allele origin: germline. Not counted in ClinVar's aggregate classification.

Literature cited by the submitters: PubMed 17506107 (cited by 4 submitters); PubMed 21029365 (cited by Dasa and Women's Health and Genetics/Laboratory Corporation of America, LabCorp).

NM_024105.4(ALG12):c.301G>A (p.Gly101Arg)

Gene: ALG12 (ALG12 alpha-1,6-mannosyltransferase; minus strand). Cytogenetic location: 22q13.33.
Variant type: single nucleotide variant.
Coding change: c.301G>A on transcript NM_024105.4 (MANE Select); coding-DNA position 301, G replaced by A.
Protein change: p.Gly101Arg; replaces glycine 101 with arginine.
Molecular consequence: missense variant.
Genome position (GRCh38, 1-based): chr22:49,910,602, C>T on the plus strand (G>A on the coding strand, the complement: ALG12 is on the minus strand). VCF-style: chr22-49910602-C-T. GRCh37 (hg19) VCF-style: chr22-50304250-C-T.
Other names: short protein forms G101R.
Identifiers: ClinVar variation 3436 (VCV000003436.11), dbSNP rs121907933, ClinGen allele CA252772.